The following is an entry in ClinVar:

ClinVar aggregate classification (germline): Pathogenic/Likely pathogenic. Review status: criteria provided, multiple submitters, no conflicts (2 of 4 stars). 3 submissions from 3 submitters: Pathogenic (1); Likely pathogenic (1). 1 of the submissions does not count toward it. Last evaluated 2025-05-22.

Conditions:
Retinitis pigmentosa 3. Also called: CHOROIDORETINAL DEGENERATION WITH RETINAL REFLEX IN HETEROZYGOUS WOMEN. Identifiers: Orphanet 791, MedGen C1845667, MONDO:0010227, OMIM 300029.
X-linked cone-rod dystrophy 1 (CORDX1). Identifiers: Orphanet 1872, MedGen C1844776, MONDO:0010566, OMIM 304020.

Submissions (3):

Institute of Medical Genetics and Applied Genomics, University Hospital Tübingen
Classification: Pathogenic for X-linked cone-rod dystrophy 1. Last evaluated: 2025-05-22. Review status: criteria provided, single submitter. Criteria: ACMG Guidelines, 2015. Collection method: clinical testing. Allele origin: germline. Inheritance: X-linked recessive inheritance. Affected: yes.

3billion
Classification: Likely pathogenic for Retinitis pigmentosa 3. Last evaluated: 2024-09-04. Review status: criteria provided, single submitter. Criteria: ACMG Guidelines, 2015. Collection method: clinical testing. Allele origin: germline. Affected: yes.
Comment: The variant is observed at an extremely low frequency in the gnomAD v4.0.0 dataset (total allele frequency: <0.001%). Predicted Consequence/Location: Frameshift: predicted to result in a loss or disruption of normal protein function through protein truncation. Multiple pathogenic variants are reported in the predicted truncated region. The variant has been reported to be associated with RPGR related disorder (ClinVar ID: VCV000560503). Therefore, this variant is classified as Likely pathogenic according to the recommendation of ACMG/AMP guideline.

Joint Genome Diagnostic Labs from Nijmegen and Maastricht, Radboudumc and MUMC+
Classification: Pathogenic for Retinitis pigmentosa 3. Last evaluated: 2016-09-01. Review status: no assertion criteria provided. Collection method: clinical testing. Allele origin: inherited. Affected: yes. Observed: 1 variant allele. Not counted in ClinVar's aggregate classification.

NM_001034853.2(RPGR):c.2993_2996del (p.Glu998fs)

Gene: RPGR (retinitis pigmentosa GTPase regulator; minus strand). Cytogenetic location: Xp11.4.
Variant type: Deletion.
Coding change: c.2993_2996del on transcript NM_001034853.2 (MANE Select); coding-DNA positions 2993 to 2996, 4 bases deleted (AAGG; older notation c.2993_2996delAAGG).
Protein change: p.Glu998fs; shifts the reading frame from glutamic acid 998.
Molecular consequence: frameshift variant. On other transcripts: intron variant (8).
Genome position (GRCh38, 1-based): chrX:38,286,003-38,286,006, CCTT deleted on the plus strand (AAGG on the coding strand, the reverse complement: RPGR is on the minus strand); deleting any 4 consecutive bases within chrX:38,286,003-38,286,007 gives the same sequence; the c. name uses the placement nearest the transcript's 3' end. VCF-style (leftmost placement, unchanged base first): chrX-38286002-CCCTT-C. GRCh37 (hg19) VCF-style: chrX-38145255-CCCTT-C.
Other names: c.1569+4953_1569+4956del (NM_001367249.1, NM_001367250.1); c.1902+1088_1902+1091del (NM_001367245.1); c.1386+4953_1386+4956del (NM_001367251.1); c.1719+1088_1719+1091del (NM_001367246.1); c.1572+4953_1572+4956del (NM_001367247.1); c.1905+1088_1905+1091del (NM_000328.3); c.1602+4953_1602+4956del (NM_001367248.1); short protein forms E998fs.
Identifiers: ClinVar variation 560503 (VCV000560503.4), dbSNP rs1569235677, ClinGen allele CA658824858.